The following is an entry in ClinVar:

NM_001369.3(DNAH5):c.10886del (p.Asn3629fs)

Gene: DNAH5 (dynein axonemal heavy chain 5; minus strand). Cytogenetic location: 5p15.2.
Variant type: Deletion.
Coding change: c.10886del on transcript NM_001369.3 (MANE Select); coding-DNA position 10886, one base deleted (A; older notation c.10886delA).
Protein change: p.Asn3629fs; shifts the reading frame from asparagine 3629.
Molecular consequence: frameshift variant.
Genome position (GRCh38, 1-based): chr5:13,752,276, T deleted on the plus strand (A on the coding strand, the reverse complement: DNAH5 is on the minus strand); the first of 3 consecutive T bases (chr5:13,752,276-13,752,278); deleting any one gives the same sequence. VCF-style (leftmost placement, unchanged base first): chr5-13752275-AT-A. GRCh37 (hg19) VCF-style: chr5-13752384-AT-A.
Other names: short protein forms N3629fs.
Identifiers: ClinVar variation 4814850 (VCV004814850.1).

ClinVar aggregate classification (germline): Likely pathogenic (1 of 4 stars; one submission).

Conditions:
Primary ciliary dyskinesia. Also called: Ciliary dyskinesia. Identifiers: Orphanet 244, MedGen C0008780, MONDO:0016575, HP:0012265.

Submission:

Natera, Inc.
Classification: Likely pathogenic for Primary ciliary dyskinesia. Last evaluated: 2025-11-04. Review status: criteria provided, single submitter. Criteria: Natera Variant Classification Schema (03/2026). Collection method: clinical testing. Allele origin: germline.
Comment: The c.10886del variant in DNAH5 is a frameshift variant predicted to shift the reading frame beginning at codon 3629 and leads to a stop codon 28 codons downstream. This variant is expected to result in nonsense mediated decay, truncation, or a dysfunctional protein product. This variant is rare in the general population with a frequency below the threshold expected for the associated phenotype(s). Given the available evidence, this variant is classified as Likely Pathogenic.